The following is an entry in ClinVar:

ClinVar aggregate classification (germline): Pathogenic/Likely pathogenic. Review status: criteria provided, multiple submitters, no conflicts (2 of 4 stars). 2 submissions from 2 submitters: Pathogenic (1); Likely pathogenic (1). Last evaluated 2024-04-24.

Conditions:
IFT27-related disorders.

Allele frequency attached by ClinVar (database versions not stated): ExAC 0.00001; gnomAD 0.00001; gnomAD exomes 0.00001; TOPMed 0.00001; ESP Exome Variant Server 0.00008; 1000 Genomes Project 30x 0.00016; 1000 Genomes Project 0.00020.
gnomAD v4.1: 12 of 1,606,654 alleles (0.00075%); highest among the groups gnomAD compares: African/African-American, 0.0053%; no homozygotes.

Submissions (2):

Labcorp Genetics (formerly Invitae), Labcorp
Classification: Pathogenic. Last evaluated: 2024-04-24. Review status: criteria provided, single submitter. Criteria: Invitae Variant Classification Sherloc (09022015). Collection method: clinical testing. Allele origin: germline.
Comment: This sequence change creates a premature translational stop signal (p.Arg130*) in the IFT27 gene. It is expected to result in an absent or disrupted protein product. Loss-of-function variants in IFT27 are known to be pathogenic (PMID: 24488770, 25446516). This variant is present in population databases (rs374999621, gnomAD 0.007%). This variant has not been reported in the literature in individuals affected with IFT27-related conditions. ClinVar contains an entry for this variant (Variation ID: 1454073). Algorithms developed to predict the effect of sequence changes on RNA splicing suggest that this variant may disrupt the consensus splice site. For these reasons, this variant has been classified as Pathogenic.

Blueprint Genetics
Classification: Likely pathogenic for IFT27-related disorders. Last evaluated: 2023-08-08. Review status: criteria provided, single submitter. Criteria: ACMG Guidelines, 2015. Collection method: clinical testing. Allele origin: germline. Affected: yes. Observed: 2 variant alleles.

Literature cited by the submitters: PubMed 24488770 (cited by Labcorp Genetics (formerly Invitae), Labcorp); PubMed 25446516 (cited by Labcorp Genetics (formerly Invitae), Labcorp).

NM_001177701.3(IFT27):c.391C>T (p.Arg131Ter)

Genes: CACNG2-DT (CACNG2 divergent transcript; plus strand), IFT27 (intraflagellar transport 27; minus strand). Cytogenetic location: 22q12.3.
Variant type: single nucleotide variant.
Coding change: c.391C>T on transcript NM_001177701.3 (MANE Select); coding-DNA position 391, C replaced by T.
Protein change: p.Arg131Ter; replaces arginine 131 with a stop codon.
Molecular consequence: nonsense.
Genome position (GRCh38, 1-based): chr22:36,762,975, G>A on the plus strand (C>T on the coding strand, the complement: IFT27 is on the minus strand). VCF-style: chr22-36762975-G-A. GRCh37 (hg19) VCF-style: chr22-37159019-G-A.
Other names: c.391C>T, p.Arg131Ter (NM_001363003.2); c.388C>T, p.Arg130Ter (NM_006860.5); short protein forms R130*, R131*.
Identifiers: ClinVar variation 1454073 (VCV001454073.7), dbSNP rs374999621, ClinGen allele CA10212357.